The following is an entry in ClinVar:

ClinVar aggregate classification (germline): Uncertain significance (1 of 4 stars; one submission).

Allele frequency attached by ClinVar (database versions not stated): gnomAD exomes below 0.00001.
gnomAD v4.1: 2 of 1,613,998 alleles (0.00012%); highest among the groups gnomAD compares: Non-Finnish European, 0.00017%; no homozygotes.

Submission:

Ambry Genetics
Classification: Uncertain significance. Last evaluated: 2024-10-20. Review status: criteria provided, single submitter. Criteria: Ambry Variant Classification Scheme 2023. Collection method: clinical testing. Allele origin: germline.
Comment: The p.V491A variant (also known as c.1472T>C), located in coding exon 3 of the ALPK2 gene, results from a T to C substitution at nucleotide position 1472. The valine at codon 491 is replaced by alanine, an amino acid with similar properties. This amino acid position is conserved. In addition, this alteration is predicted to be tolerated by in silico analysis. Since supporting evidence is limited at this time, the clinical significance of this alteration remains unclear.

NM_052947.4(ALPK2):c.1472T>C (p.Val491Ala)

Gene: ALPK2 (alpha kinase 2; minus strand). Cytogenetic location: 18q21.31.
Variant type: single nucleotide variant.
Coding change: c.1472T>C on transcript NM_052947.4 (MANE Select); coding-DNA position 1472, T replaced by C.
Protein change: p.Val491Ala; replaces valine 491 with alanine.
Molecular consequence: missense variant.
Genome position (GRCh38, 1-based): chr18:58,579,304, A>G on the plus strand (T>C on the coding strand, the complement: ALPK2 is on the minus strand). VCF-style: chr18-58579304-A-G. GRCh37 (hg19) VCF-style: chr18-56246536-A-G.
Other names: short protein forms V491A.
Identifiers: ClinVar variation 1773386 (VCV001773386.3), dbSNP rs2518898932, ClinGen allele CA402562791.